The following is an entry in ClinVar:

NM_001110556.2(FLNA):c.4381G>A (p.Gly1461Ser)

Gene: FLNA (filamin A; minus strand). Cytogenetic location: Xq28.
Variant type: single nucleotide variant.
Coding change: c.4381G>A on transcript NM_001110556.2 (MANE Select); coding-DNA position 4381, G replaced by A.
Protein change: p.Gly1461Ser; replaces glycine 1461 with serine.
Molecular consequence: missense variant.
Genome position (GRCh38, 1-based): chrX:154,359,077, C>T on the plus strand (G>A on the coding strand, the complement: FLNA is on the minus strand). VCF-style: chrX-154359077-C-T. GRCh37 (hg19) VCF-style: chrX-153587445-C-T.
Other names: c.4381G>A, p.Gly1461Ser (NM_001456.4); short protein forms G1461S.
Identifiers: ClinVar variation 1030453 (VCV001030453.1), dbSNP rs868967647, ClinGen allele CA415216841.
Genomic context (GRCh38, chrX:154,359,077, plus strand): 5'-CCACACCAGCCTTGCTTGTGTCCACCTGGAAGGACTGAGGGAGGTTGGCACGAACCATGC[C>T]TGGGCTCAGGCCGGGCCCAGAGCACTTGACCTTGGACGCATCTGTCACATCATGCACAGG-3'
Protein context (NP_001104026.1, residues 1451-1471): VKCSGPGLSP[Gly1461Ser]MVRANLPQSF

ClinVar aggregate classification (germline): Uncertain significance (1 of 4 stars; one submission).

Conditions:
FG syndrome 2 (FGS2). Identifiers: MedGen C1845902, MONDO:0010297, OMIM 300321.

Allele frequency attached by ClinVar (database versions not stated): gnomAD 0.00001.

Submission:

Baylor Genetics
Classification: Uncertain significance for FG syndrome 2. Last evaluated: 2020-06-08. Review status: criteria provided, single submitter. Criteria: ACMG Guidelines, 2015. Collection method: clinical testing. Allele origin: unknown. Affected: yes.
Comment: This variant was determined to be of uncertain significance according to ACMG Guidelines, 2015 [PMID:25741868].